The following is an entry in ClinVar:

ClinVar aggregate classification (germline): Uncertain significance (1 of 4 stars; one submission).

Conditions:
Baller-Gerold syndrome (BGS). Also called: CRANIOSYNOSTOSIS WITH RADIAL DEFECTS. Identifiers: Orphanet 1225, MedGen C0265308, MONDO:0009039, OMIM 218600.

Submission:

Labcorp Genetics (formerly Invitae), Labcorp
Classification: Uncertain significance for Baller-Gerold syndrome. Last evaluated: 2024-01-10. Review status: criteria provided, single submitter. Criteria: Invitae Variant Classification Sherloc (09022015). Collection method: clinical testing. Allele origin: germline.
Comment: This sequence change replaces arginine, which is basic and polar, with cysteine, which is neutral and slightly polar, at codon 710 of the RECQL4 protein (p.Arg710Cys). Information on the frequency of this variant in the gnomAD database is not available, as this variant may be reported differently in the database. This variant has not been reported in the literature in individuals affected with RECQL4-related conditions. ClinVar contains an entry for this variant (Variation ID: 2143481). Experimental studies and prediction algorithms are not available or were not evaluated, and the functional significance of this variant is currently unknown. In summary, the available evidence is currently insufficient to determine the role of this variant in disease. Therefore, it has been classified as a Variant of Uncertain Significance.

NM_004260.4(RECQL4):c.2127_2128delinsCT (p.Arg710Cys)

Gene: RECQL4 (RecQ like helicase 4; minus strand). Cytogenetic location: 8q24.3.
Variant type: Indel.
Coding change: c.2127_2128delinsCT on transcript NM_004260.4 (MANE Select); coding-DNA positions 2127 to 2128, GC replaced by CT.
Protein change: p.Arg710Cys; replaces arginine 710 with cysteine.
Molecular consequence: missense variant.
Genome position (GRCh38, 1-based): chr8:144,513,643-144,513,644, GC replaced by AG on the plus strand (GC replaced by CT on the coding strand, the reverse complement: RECQL4 is on the minus strand). VCF-style: chr8-144513643-GC-AG. GRCh37 (hg19) VCF-style: chr8-145739027-GC-AG.
Other names: c.2031_2032delGCinsCT, p.Arg678Cys (NM_001413017.1, NM_001413020.1); c.2127_2128delGCinsCT, p.Arg710Cys (NM_001413018.1, NM_001413019.1, NM_001413036.1); c.1056_1057delGCinsCT, p.Arg353Cys (NM_001413021.1, NM_001413022.1, NM_001413023.1 and 6 more transcripts); c.1998_1999delGCinsCT, p.Arg667Cys (NM_001413025.1); c.990_991delGCinsCT, p.Arg331Cys (NM_001413027.1, NM_001413041.1, NM_001413030.1 and 1 more transcripts); c.2097_2098delGCinsCT, p.Arg700Cys (NM_001413039.1); c.1026_1027delGCinsCT, p.Arg343Cys (NM_001413042.1); c.660_661delGCinsCT, p.Arg221Cys (NM_001413043.1); and 4 more; short protein forms R221C, R353C, R710C, R287C, R309C, R593C, R667C, R678C.
Identifiers: ClinVar variation 2143481 (VCV002143481.4), dbSNP rs2538018842, ClinGen allele CA2580078750.